The following is an entry in ClinVar:

NM_001110556.2(FLNA):c.826C>T (p.Arg276Trp)

Gene: FLNA (filamin A; minus strand). Cytogenetic location: Xq28.
Variant type: single nucleotide variant.
Coding change: c.826C>T on transcript NM_001110556.2 (MANE Select); coding-DNA position 826, C replaced by T.
Protein change: p.Arg276Trp; replaces arginine 276 with tryptophan.
Molecular consequence: missense variant.
Genome position (GRCh38, 1-based): chrX:154,367,439, G>A on the plus strand (C>T on the coding strand, the complement: FLNA is on the minus strand). VCF-style: chrX-154367439-G-A. GRCh37 (hg19) VCF-style: chrX-153595807-G-A.
Other names: c.826C>T, p.Arg276Trp (NM_001456.4); short protein forms R276W.
Identifiers: ClinVar variation 575979 (VCV000575979.15), dbSNP rs1172505050, ClinGen allele CA415248429.

ClinVar aggregate classification (germline): Conflicting classifications of pathogenicity. Review status: criteria provided, conflicting classifications (1 of 4 stars). 3 submissions from 3 submitters: Uncertain significance (1); Likely benign (2). Last evaluated 2026-01-01.

Conditions:
Oto-palato-digital syndrome, type II (OPD2). Also called: OPD II SYNDROME; FACIOPALATOOSSEOUS SYNDROME; Otopalatodigital Syndrome, Type II; Otopalatodigital Syndrome Type 2 (FLNA-OPD2). Identifiers: Orphanet 669, Orphanet 90652, MedGen C1844696, MONDO:0010571, OMIM 304120.
Melnick-Needles syndrome (MNS). Also called: MELNICK-NEEDLES OSTEODYSPLASTY; OSTEODYSPLASTY OF MELNICK AND NEEDLES; Melnick-Needles Syndrome (FLNA-MNS). Identifiers: Orphanet 2484, MedGen C0025237, MONDO:0010650, OMIM 309350.
Frontometaphyseal dysplasia (FMD1). Identifiers: Orphanet 1826, MedGen C0265293, MONDO:0015942.
Heterotopia, periventricular, X-linked dominant (PVNH1). Also called: PERIVENTRICULAR NODULAR HETEROTOPIA 1; X-linked periventricular heterotopia; PERIVENTRICULAR NODULAR HETEROTOPIA 4; HETEROTOPIA, PERIVENTRICULAR, 1. Identifiers: Orphanet 2149, Orphanet 82004, MedGen C1848213, MONDO:0010233, OMIM 300049.

Allele frequency attached by ClinVar (database versions not stated): gnomAD exomes below 0.00001 and 0.00001; gnomAD 0.00001; TOPMed 0.00002.
gnomAD v4.1: 7 of 1,210,226 alleles (0.00058%); highest among the groups gnomAD compares: African/African-American, 0.0035%; no homozygotes.

Submissions (3):

CeGaT Center for Human Genetics Tuebingen
Classification: Likely benign. Last evaluated: 2026-01-01. Review status: criteria provided, single submitter. Criteria: CeGaT Center For Human Genetics Tuebingen Variant Classification Criteria Version 2. Collection method: clinical testing. Allele origin: germline. Affected: yes. Observed: 1 variant allele.
Comment: FLNA: PP2, BS2

Labcorp Genetics (formerly Invitae), Labcorp
Classification: Likely benign for Oto-palato-digital syndrome, type II; Heterotopia, periventricular, X-linked dominant; Frontometaphyseal dysplasia; Melnick-Needles syndrome. Last evaluated: 2025-02-17. Review status: criteria provided, single submitter. Criteria: Invitae Variant Classification Sherloc (09022015). Collection method: clinical testing. Allele origin: germline.

GeneDx
Classification: Uncertain significance. Last evaluated: 2023-03-29. Review status: criteria provided, single submitter. Criteria: GeneDx Variant Classification Process June 2021. Collection method: clinical testing. Allele origin: germline. Affected: yes.
Comment: Not observed at significant frequency in large population cohorts (gnomAD); In silico analysis supports that this missense variant has a deleterious effect on protein structure/function; Has not been previously published as pathogenic or benign to our knowledge